The following is an entry in ClinVar:

NM_001130009.3(GEN1):c.871G>C (p.Asp291His)

Gene: GEN1 (GEN1 Holliday junction 5' flap endonuclease; plus strand). Cytogenetic location: 2p24.2.
Variant type: single nucleotide variant.
Coding change: c.871G>C on transcript NM_001130009.3 (MANE Select); coding-DNA position 871, G replaced by C.
Protein change: p.Asp291His; replaces aspartic acid 291 with histidine.
Molecular consequence: missense variant.
Genome position (GRCh38, 1-based): chr2:17,772,702, G>C. VCF-style: chr2-17772702-G-C. GRCh37 (hg19) VCF-style: chr2-17953969-G-C.
Other names: c.871G>C, p.Asp291His (NM_182625.5); short protein forms D291H.
Identifiers: ClinVar variation 3519757 (VCV003519757.1).

ClinVar aggregate classification (germline): Uncertain significance (1 of 4 stars; one submission).

Submission:

Ambry Genetics
Classification: Uncertain significance. Last evaluated: 2024-11-28. Review status: criteria provided, single submitter. Criteria: Ambry Variant Classification Scheme 2023. Collection method: clinical testing. Allele origin: germline.
Comment: The p.D291H variant (also known as c.871G>C), located in coding exon 7 of the GEN1 gene, results from a G to C substitution at nucleotide position 871. The aspartic acid at codon 291 is replaced by histidine, an amino acid with similar properties. This amino acid position is conserved. In addition, this alteration is predicted to be tolerated by in silico analysis. Based on the available evidence, the clinical significance of this variant remains unclear.